The following is an entry in ClinVar:

ClinVar aggregate classification (germline): Uncertain significance. Review status: criteria provided, multiple submitters, no conflicts (2 of 4 stars). 2 submissions from 2 submitters: Uncertain significance (2). Last evaluated 2024-03-21.

Allele frequency attached by ClinVar (database versions not stated): gnomAD exomes below 0.00001; TOPMed below 0.00001; ExAC 0.00001; gnomAD 0.00001; ESP Exome Variant Server 0.00008.
gnomAD v4.1: 2 of 1,614,016 alleles (0.00012%); highest among the groups gnomAD compares: Non-Finnish European, 0.00017%; no homozygotes.

Submissions (2):

Labcorp Genetics (formerly Invitae), Labcorp
Classification: Uncertain significance. Last evaluated: 2024-03-21. Review status: criteria provided, single submitter. Criteria: Invitae Variant Classification Sherloc (09022015). Collection method: clinical testing. Allele origin: germline.
Comment: This sequence change replaces glutamine, which is neutral and polar, with glutamic acid, which is acidic and polar, at codon 942 of the HSPG2 protein (p.Gln942Glu). This variant is present in population databases (rs377203405, gnomAD 0.0009%). This variant has not been reported in the literature in individuals affected with HSPG2-related conditions. ClinVar contains an entry for this variant (Variation ID: 447547). An algorithm developed to predict the effect of missense changes on protein structure and function (PolyPhen-2) suggests that this variant is likely to be disruptive. Algorithms developed to predict the effect of sequence changes on RNA splicing suggest that this variant may create or strengthen a splice site. In summary, the available evidence is currently insufficient to determine the role of this variant in disease. Therefore, it has been classified as a Variant of Uncertain Significance.

Athena Diagnostics
Classification: Uncertain significance. Last evaluated: 2016-12-06. Review status: criteria provided, single submitter. Criteria: Athena Diagnostics Criteria. Collection method: clinical testing. Allele origin: germline.

NM_005529.7(HSPG2):c.2824C>G (p.Gln942Glu)

Gene: HSPG2 (heparan sulfate proteoglycan 2; minus strand). Cytogenetic location: 1p36.12.
Variant type: single nucleotide variant.
Coding change: c.2824C>G on transcript NM_005529.7 (MANE Select); coding-DNA position 2824, C replaced by G.
Protein change: p.Gln942Glu; replaces glutamine 942 with glutamic acid.
Molecular consequence: missense variant.
Genome position (GRCh38, 1-based): chr1:21,876,514, G>C on the plus strand (C>G on the coding strand, the complement: HSPG2 is on the minus strand). VCF-style: chr1-21876514-G-C. GRCh37 (hg19) VCF-style: chr1-22203007-G-C.
Other names: c.2827C>G, p.Gln943Glu (NM_001291860.2); short protein forms Q942E, Q943E.
Identifiers: ClinVar variation 447547 (VCV000447547.3), dbSNP rs377203405, ClinGen allele CA672867.